The following is an entry in ClinVar:

NM_006073.4(TRDN):c.200T>C (p.Met67Thr)

Gene: TRDN (triadin; minus strand). Cytogenetic location: 6q22.31.
Variant type: single nucleotide variant.
Coding change: c.200T>C on transcript NM_006073.4 (MANE Select); coding-DNA position 200, T replaced by C.
Protein change: p.Met67Thr; replaces methionine 67 with threonine.
Molecular consequence: missense variant.
Genome position (GRCh38, 1-based): chr6:123,570,955, A>G on the plus strand (T>C on the coding strand, the complement: TRDN is on the minus strand). VCF-style: chr6-123570955-A-G. GRCh37 (hg19) VCF-style: chr6-123892100-A-G.
Other names: c.200T>C, p.Met67Thr (NM_001251987.2, NM_001256020.2, NM_001256021.2 and 2 more transcripts); short protein forms M67T.
Identifiers: ClinVar variation 2562967 (VCV002562967.2), dbSNP rs774235224, ClinGen allele CA3984448.

ClinVar aggregate classification (germline): Uncertain significance (1 of 4 stars; one submission).

Conditions:
Cardiovascular phenotype. Identifiers: MedGen CN230736.

Allele frequency attached by ClinVar (database versions not stated): ExAC 0.00001; TOPMed 0.00002.
gnomAD v4.1: 10 of 1,613,990 alleles (0.00062%); highest among the groups gnomAD compares: Non-Finnish European, 0.00085%; no homozygotes.

Submission:

Ambry Genetics
Classification: Uncertain significance for Cardiovascular phenotype. Last evaluated: 2023-03-19. Review status: criteria provided, single submitter. Criteria: Ambry Variant Classification Scheme 2023. Collection method: clinical testing. Allele origin: germline.
Comment: The p.M67T variant (also known as c.200T>C), located in coding exon 2 of the TRDN gene, results from a T to C substitution at nucleotide position 200. The methionine at codon 67 is replaced by threonine, an amino acid with similar properties. This amino acid position is conserved. In addition, the in silico prediction for this alteration is inconclusive. Since supporting evidence is limited at this time, the clinical significance of this alteration remains unclear.